The following is an entry in ClinVar:

NM_002047.4(GARS1):c.1805G>A (p.Arg602Lys)

Gene: GARS1 (glycyl-tRNA synthetase 1; plus strand). Cytogenetic location: 7p14.3.
Variant type: single nucleotide variant.
Coding change: c.1805G>A on transcript NM_002047.4 (MANE Select); coding-DNA position 1805, G replaced by A.
Protein change: p.Arg602Lys; replaces arginine 602 with lysine.
Molecular consequence: missense variant.
Genome position (GRCh38, 1-based): chr7:30,628,665, G>A. VCF-style: chr7-30628665-G-A. GRCh37 (hg19) VCF-style: chr7-30668281-G-A.
Other names: c.1643G>A, p.Arg548Lys (NM_001316772.1); short protein forms R602K, R548K.
Identifiers: ClinVar variation 2807392 (VCV002807392.3), dbSNP rs1783176856, ClinGen allele CA367129724.
Genomic context (GRCh38, chr7:30,628,665, plus strand): 5'-GTAGGATCATGTATACGGTATTTGAACATACATTCCATGTACGAGAAGGAGATGAACAGA[G>A]AACAGTAAGTTGTTGTGTACAGTGTGCTGTTATAGTGTCAGAAAATAAAAATTTTCTGAA-3'
Protein context (NP_002038.2, residues 592-612): TFHVREGDEQ[Arg602Lys]TFFSFPAVVA

ClinVar aggregate classification (germline): Uncertain significance (1 of 4 stars; one submission).

Conditions:
Charcot-Marie-Tooth disease type 2. Also called: Charcot-Marie-Tooth type 2. Identifiers: Orphanet 64746, MedGen C0270914, MONDO:0018993.

gnomAD v4.1: 1 of 1,600,476 alleles (0.000062%); no homozygotes.

Submission:

Labcorp Genetics (formerly Invitae), Labcorp
Classification: Uncertain significance for Charcot-Marie-Tooth disease type 2. Last evaluated: 2022-12-04. Review status: criteria provided, single submitter. Criteria: Invitae Variant Classification Sherloc (09022015). Collection method: clinical testing. Allele origin: germline.
Comment: This variant has not been reported in the literature in individuals affected with GARS-related conditions. In summary, the available evidence is currently insufficient to determine the role of this variant in disease. Therefore, it has been classified as a Variant of Uncertain Significance. Advanced modeling of protein sequence and biophysical properties (such as structural, functional, and spatial information, amino acid conservation, physicochemical variation, residue mobility, and thermodynamic stability) performed at Invitae indicates that this missense variant is not expected to disrupt GARS protein function. This variant is not present in population databases (gnomAD no frequency). This sequence change replaces arginine, which is basic and polar, with lysine, which is basic and polar, at codon 602 of the GARS protein (p.Arg602Lys).